The following is an entry in ClinVar:

NM_005647.4(TBL1X):c.355G>A (p.Glu119Lys)

Gene: TBL1X (transducin beta like 1 X-linked; plus strand). Cytogenetic location: Xp22.2.
Variant type: single nucleotide variant.
Coding change: c.355G>A on transcript NM_005647.4 (MANE Select); coding-DNA position 355, G replaced by A.
Protein change: p.Glu119Lys; replaces glutamic acid 119 with lysine.
Molecular consequence: missense variant.
Genome position (GRCh38, 1-based): chrX:9,684,186, G>A. VCF-style: chrX-9684186-G-A. GRCh37 (hg19) VCF-style: chrX-9652226-G-A.
Other names: c.355G>A, p.Glu119Lys (NM_001139466.1); c.202G>A, p.Glu68Lys (NM_001139467.1, NM_001139468.1); short protein forms E119K, E68K.
Identifiers: ClinVar variation 3366041 (VCV003366041.2).

ClinVar aggregate classification (germline): Uncertain significance (1 of 4 stars; one submission).

gnomAD v4.1: 11 of 1,210,083 alleles (0.00091%); highest among the groups gnomAD compares: East Asian, 0.0059%; no homozygotes.

Submission:

GeneDx
Classification: Uncertain significance. Last evaluated: 2025-10-29. Review status: criteria provided, single submitter. Criteria: GeneDx Variant Classification Process June 2021. Collection method: clinical testing. Allele origin: germline.
Comment: Not observed at significant frequency in large population cohorts (gnomAD); In silico analysis supports that this missense variant has a deleterious effect on protein structure/function; Has not been previously published as pathogenic or benign to our knowledge